The following is an entry in ClinVar:

ClinVar aggregate classification (germline): Conflicting classifications of pathogenicity. Review status: criteria provided, conflicting classifications (1 of 4 stars). 2 submissions from 2 submitters: Likely pathogenic (1); Uncertain significance (1). Last evaluated 2025-07-24.

Conditions:
Long QT syndrome (LQTS). Identifiers: MedGen C0023976, MeSH D008133, MONDO:0002442. Disease mechanism: loss of function. Inheritance: Various modes of inheritance.

Submissions (2):

GeneDx
Classification: Likely pathogenic. Last evaluated: 2025-07-24. Review status: criteria provided, single submitter. Criteria: GeneDx Variant Classification Process June 2021. Collection method: clinical testing. Allele origin: germline. Affected: yes.
Comment: Has not been previously published as pathogenic or benign to our knowledge; Not observed at significant frequency in large population cohorts (gnomAD); In-frame insertion/deletion variant where an arginine residue at position R784 is replaced with a proline residue; In silico analysis supports a deleterious effect on protein structure/function

Labcorp Genetics (formerly Invitae), Labcorp
Classification: Uncertain significance for Long QT syndrome. Last evaluated: 2019-07-30. Review status: criteria provided, single submitter. Criteria: Invitae Variant Classification Sherloc (09022015). Collection method: clinical testing. Allele origin: germline.
Comment: In summary, the available evidence is currently insufficient to determine the role of this variant in disease. Therefore, it has been classified as a Variant of Uncertain Significance. Algorithms developed to predict the effect of missense changes on protein structure and function are either unavailable or do not agree on the potential impact of this missense change (SIFT: "Deleterious"; PolyPhen-2: "Probably Damaging"; Align-GVGD: "Class C0"). This variant has not been reported in the literature in individuals with KCNH2-related disease. This variant is not present in population databases (ExAC no frequency). This sequence change replaces arginine with proline at codon 784 of the KCNH2 protein (p.Arg784Pro). The arginine residue is highly conserved and there is a moderate physicochemical difference between arginine and proline.

NM_000238.4(KCNH2):c.2351_2352inv (p.Arg784Pro)

Gene: KCNH2 (potassium voltage-gated channel subfamily H member 2; minus strand). Cytogenetic location: 7q36.1.
Variant type: Inversion.
Coding change: c.2351_2352inv on transcript NM_000238.4 (MANE Select).
Protein change: p.Arg784Pro; replaces arginine 784 with proline.
Molecular consequence: missense variant.
Genome position: GRCh38 VCF-style: chr7-150950214-CC-GG. GRCh37 (hg19) VCF-style: chr7-150647302-CC-GG.
Other names: c.2351_2352delinsCC (NM_000238.3); c.2351_2352invGG, p.Arg784Pro (NM_000238.3, NM_172056.3); c.1331_1332inv, p.Arg444Pro (NM_001204798.2, NM_172057.3); c.2063_2064invGG, p.Arg688Pro (NM_001406753.1, NM_001406756.1); c.2174_2175invGG, p.Arg725Pro (NM_001406755.1); c.2051_2052invGG, p.Arg684Pro (NM_001406757.1); short protein forms R444P, R784P, R684P, R688P, R725P.
Identifiers: ClinVar variation 660517 (VCV000660517.19), ClinGen allele CA915945573.